The following is an entry in ClinVar:

NM_000426.4(LAMA2):c.5231T>G (p.Leu1744Trp)

Gene: LAMA2 (laminin subunit alpha 2; plus strand). Cytogenetic location: 6q22.33.
Variant type: single nucleotide variant.
Coding change: c.5231T>G on transcript NM_000426.4 (MANE Select); coding-DNA position 5231, T replaced by G.
Protein change: p.Leu1744Trp; replaces leucine 1744 with tryptophan.
Molecular consequence: missense variant.
Genome position (GRCh38, 1-based): chr6:129,391,650, T>G. VCF-style: chr6-129391650-T-G. GRCh37 (hg19) VCF-style: chr6-129712795-T-G.
Other names: c.5231T>G, p.Leu1744Trp (NM_001079823.2); short protein forms L1744W.
Identifiers: ClinVar variation 477484 (VCV000477484.2), dbSNP rs755461457, ClinGen allele CA3993803.

ClinVar aggregate classification (germline): Uncertain significance (1 of 4 stars; one submission).

Conditions:
LAMA2-related muscular dystrophy (LAMA2-RD). Also called: Laminin alpha 2-related dystrophy. Identifiers: MedGen C5679788, MONDO:0100228.

Allele frequency attached by ClinVar (database versions not stated): TOPMed below 0.00001; gnomAD 0.00001; gnomAD exomes 0.00001 and 0.00002; ExAC 0.00003.
gnomAD v4.1: 13 of 1,612,408 alleles (0.00081%); highest among the groups gnomAD compares: Non-Finnish European, 0.00076%; no homozygotes.

Submission:

Labcorp Genetics (formerly Invitae), Labcorp
Classification: Uncertain significance for LAMA2-related muscular dystrophy. Last evaluated: 2022-08-15. Review status: criteria provided, single submitter. Criteria: Invitae Variant Classification Sherloc (09022015). Collection method: clinical testing. Allele origin: germline.
Comment: This sequence change replaces leucine, which is neutral and non-polar, with tryptophan, which is neutral and slightly polar, at codon 1744 of the LAMA2 protein (p.Leu1744Trp). This variant is present in population databases (rs755461457, gnomAD 0.004%). This variant has not been reported in the literature in individuals affected with LAMA2-related conditions. ClinVar contains an entry for this variant (Variation ID: 477484). Advanced modeling of protein sequence and biophysical properties (such as structural, functional, and spatial information, amino acid conservation, physicochemical variation, residue mobility, and thermodynamic stability) performed at Invitae indicates that this missense variant is not expected to disrupt LAMA2 protein function. In summary, the available evidence is currently insufficient to determine the role of this variant in disease. Therefore, it has been classified as a Variant of Uncertain Significance.